The following is an entry in ClinVar:

NM_032444.4(SLX4):c.4056G>A (p.Pro1352=)

Gene: SLX4 (SLX4 structure-specific endonuclease subunit; minus strand). Cytogenetic location: 16p13.3.
Variant type: single nucleotide variant.
Coding change: c.4056G>A on transcript NM_032444.4 (MANE Select); coding-DNA position 4056, G replaced by A.
Protein change: p.Pro1352=; no amino-acid change (proline 1352 retained).
Molecular consequence: synonymous variant.
Genome position (GRCh38, 1-based): chr16:3,589,582, C>T on the plus strand (G>A on the coding strand, the complement: SLX4 is on the minus strand). VCF-style: chr16-3589582-C-T. GRCh37 (hg19) VCF-style: chr16-3639583-C-T.
Identifiers: ClinVar variation 1622158 (VCV001622158.31), dbSNP rs768415277, ClinGen allele CA276958547.

ClinVar aggregate classification (germline): Likely benign. Review status: criteria provided, multiple submitters, no conflicts (2 of 4 stars). 2 submissions from 2 submitters: Likely benign (2). Last evaluated 2023-01-01.

Conditions:
Fanconi anemia (FA). Also called: Fanconi's anemia. Identifiers: Orphanet 84, MedGen C0015625, MeSH D005199, MONDO:0019391.

Allele frequency attached by ClinVar (database versions not stated): gnomAD 0.00001; gnomAD exomes 0.00001.

Submissions (2):

CeGaT Center for Human Genetics Tuebingen
Classification: Likely benign. Last evaluated: 2023-01-01. Review status: criteria provided, single submitter. Criteria: CeGaT Center For Human Genetics Tuebingen Variant Classification Criteria Version 2. Collection method: clinical testing. Allele origin: germline. Affected: yes. Observed: 1 variant allele.
Comment: SLX4: BP4, BP7

Labcorp Genetics (formerly Invitae), Labcorp
Classification: Likely benign for Fanconi anemia. Last evaluated: 2021-10-23. Review status: criteria provided, single submitter. Criteria: Invitae Variant Classification Sherloc (09022015). Collection method: clinical testing. Allele origin: germline.